The following is an entry in ClinVar:

NM_001130009.3(GEN1):c.650T>G (p.Val217Gly)

Gene: GEN1 (GEN1 structure-specific endonuclease; plus strand). Cytogenetic location: 2p24.2.
Variant type: single nucleotide variant.
Coding change: c.650T>G on transcript NM_001130009.3 (MANE Select); coding-DNA position 650, T replaced by G.
Protein change: p.Val217Gly; replaces valine 217 with glycine.
Molecular consequence: missense variant.
Genome position (GRCh38, 1-based): chr2:17,768,751, T>G. VCF-style: chr2-17768751-T-G. GRCh37 (hg19) VCF-style: chr2-17950018-T-G.
Other names: c.650T>G, p.Val217Gly (NM_182625.5); short protein forms V217G.
Identifiers: ClinVar variation 2718202 (VCV002718202.3), dbSNP rs868795429, ClinGen allele CA345913370.

ClinVar aggregate classification (germline): Uncertain significance (1 of 4 stars; one submission).

Submission:

Labcorp Genetics (formerly Invitae), Labcorp
Classification: Uncertain significance. Last evaluated: 2023-09-12. Review status: criteria provided, single submitter. Criteria: Invitae Variant Classification Sherloc (09022015). Collection method: clinical testing. Allele origin: germline.
Comment: This sequence change replaces valine, which is neutral and non-polar, with glycine, which is neutral and non-polar, at codon 217 of the GEN1 protein (p.Val217Gly). In summary, the available evidence is currently insufficient to determine the role of this variant in disease. Therefore, it has been classified as a Variant of Uncertain Significance. An algorithm developed to predict the effect of missense changes on protein structure and function (PolyPhen-2) suggests that this variant is likely to be tolerated. This variant has not been reported in the literature in individuals affected with GEN1-related conditions. This variant is not present in population databases (gnomAD no frequency).